The following is an entry in ClinVar:

ClinVar aggregate classification (germline): Likely benign. Review status: criteria provided, multiple submitters, no conflicts (2 of 4 stars). 4 submissions from 4 submitters: Likely benign (4). Last evaluated 2026-01-19.

Conditions:
3-methylglutaconic aciduria with deafness, encephalopathy, and Leigh-like syndrome (MEGDEL). Also called: 3-METHYLGLUTACONIC ACIDURIA, TYPE VI; SERAC1 Deficiency; MEGDEL syndrome. Identifiers: Orphanet 352328, MedGen C4040739, MONDO:0013875, OMIM 614739.

Allele frequency attached by ClinVar (database versions not stated): gnomAD 0.00007 and 0.00008; TOPMed 0.00013; gnomAD exomes 0.00014 and 0.00016; ESP Exome Variant Server 0.00015; ExAC 0.00017.
gnomAD v4.1: 211 of 1,613,316 alleles (0.013%); highest among the groups gnomAD compares: Middle Eastern, 0.016%; no homozygotes.

Submissions (5):

Labcorp Genetics (formerly Invitae), Labcorp
Classification: Likely benign for 3-methylglutaconic aciduria with deafness, encephalopathy, and Leigh-like syndrome. Last evaluated: 2026-01-19. Review status: criteria provided, single submitter. Criteria: Invitae Variant Classification Sherloc (09022015). Collection method: clinical testing. Allele origin: germline.

Blueprint Genetics
Classification: Likely benign. Last evaluated: 2024-09-19. Review status: criteria provided, single submitter. Criteria: ACMG Guidelines, 2015. Collection method: clinical testing. Allele origin: germline.

Genome-Nilou Lab
Classification: Likely benign for 3-methylglutaconic aciduria with deafness, encephalopathy, and Leigh-like syndrome. Last evaluated: 2022-03-15. Review status: criteria provided, single submitter. Criteria: ACMG Guidelines, 2015. Collection method: clinical testing. Allele origin: germline. Affected: no.

GeneDx
Classification: Likely benign. Last evaluated: 2017-03-29. Review status: criteria provided, single submitter. Criteria: GeneDx Variant Classification (06012015). Collection method: clinical testing. Allele origin: germline. Affected: yes.
Comment: This variant is considered likely benign or benign based on one or more of the following criteria: it is a conservative change, it occurs at a poorly conserved position in the protein, it is predicted to be benign by multiple in silico algorithms, and/or has population frequency not consistent with disease.

Dr. Peter K. Rogan Lab, Western University
No classification provided (evidence only). Condition: Gastric cancer. Review status: no classification provided. Collection method: in vitro. Allele origin: not applicable. Functional consequence: retained intron. Not counted in ClinVar's aggregate classification.

NM_032861.4(SERAC1):c.1403+11C>T

Gene: SERAC1 (serine active site containing 1; minus strand). Cytogenetic location: 6q25.3.
Variant type: single nucleotide variant.
Coding change: c.1403+11C>T on transcript NM_032861.4 (MANE Select); 11 bases into the intron after coding-DNA position 1403, C replaced by T.
Molecular consequence: intron variant.
Genome position (GRCh38, 1-based): chr6:158,117,716, G>A on the plus strand (C>T on the coding strand, the complement: SERAC1 is on the minus strand). VCF-style: chr6-158117716-G-A. GRCh37 (hg19) VCF-style: chr6-158538748-G-A.
Identifiers: ClinVar variation 507937 (VCV000507937.12), dbSNP rs369586400, ClinGen allele CA4071106.